The following is an entry in ClinVar:

ClinVar aggregate classification (germline): Likely benign (1 of 4 stars; one submission).

gnomAD v4.1: 6 of 1,612,562 alleles (0.00037%); highest among the groups gnomAD compares: Middle Eastern, 0.017%; no homozygotes.

Submission:

CeGaT Center for Human Genetics Tuebingen
Classification: Likely benign. Last evaluated: 2024-07-01. Review status: criteria provided, single submitter. Criteria: CeGaT Center For Human Genetics Tuebingen Variant Classification Criteria Version 2. Collection method: clinical testing. Allele origin: germline. Affected: yes. Observed: 1 variant allele.
Comment: KATNAL2: BP4, BP7

NM_001387690.1(KATNAL2):c.987G>C (p.Gly329=)

Gene: KATNAL2 (katanin catalytic subunit A1 like 2; plus strand). Cytogenetic location: 18q21.1.
Variant type: single nucleotide variant.
Coding change: c.987G>C on transcript NM_001387690.1 (MANE Select); coding-DNA position 987, G replaced by C.
Protein change: p.Gly329=; no amino-acid change (glycine 329 retained).
Molecular consequence: synonymous variant. On other transcripts: non-coding transcript variant (1).
Genome position (GRCh38, 1-based): chr18:47,069,579, G>C. VCF-style: chr18-47069579-G-C. GRCh37 (hg19) VCF-style: chr18-44595950-G-C.
Other names: c.1065G>C, p.Gly355= (NM_001353899.1); c.1062G>C, p.Gly354= (NM_001353900.1); c.987G>C, p.Gly329= (NM_001353901.1, NM_001367621.1); c.966G>C, p.Gly322= (NM_001353902.1); c.654G>C, p.Gly218= (NM_001353903.1, NM_001353905.1, NM_001353906.1 and 1 more transcripts); c.555G>C, p.Gly185= (NM_001353904.1, NM_001353908.1, NM_001353909.1); c.771G>C, p.Gly257= (NM_031303.3).
Identifiers: ClinVar variation 3257132 (VCV003257132.17).
Genomic context (GRCh38, chr18:47,069,579, plus strand): 5'-TGAATGTAAAACAACCTTCTTTAACATTTCTGCATCCACCATTGTCAGCAAATGGAGAGG[G>C]GATTCAGAAAAACTCGTTCGGGTAGGAATTCTTAATTTTGTTTTTAAAAATAAGTTCTAG-3'
Protein context (NP_001374619.1, residues 319-339): SASTIVSKWR[Gly329=]DSEKLVRVLF